The following is an entry in ClinVar:

NM_000975.5(RPL11):c.153C>T (p.Ser51=)

Gene: RPL11 (ribosomal protein L11; plus strand). Cytogenetic location: 1p36.11.
Variant type: single nucleotide variant.
Coding change: c.153C>T on transcript NM_000975.5 (MANE Select); coding-DNA position 153, C replaced by T.
Protein change: p.Ser51=; no amino-acid change (serine 51 retained).
Molecular consequence: synonymous variant.
Genome position (GRCh38, 1-based): chr1:23,692,755, C>T. VCF-style: chr1-23692755-C-T. GRCh37 (hg19) VCF-style: chr1-24019245-C-T.
Other names: c.153C>T, p.Ser51= (LRG_1140t1); c.150C>T, p.Ser50= (NM_001199802.1).
Identifiers: ClinVar variation 296817 (VCV000296817.19), dbSNP rs80133698, ClinGen allele CA684173.

ClinVar aggregate classification (germline): Benign/Likely benign. Review status: criteria provided, multiple submitters, no conflicts (2 of 4 stars). 5 submissions from 5 submitters: Benign (3); Likely benign (2). Last evaluated 2026-01-26.

Conditions:
Diamond-Blackfan anemia. Also called: Aase syndrome; Blackfan Diamond syndrome; Aregenerative anemia chronic congenital; Red cell aplasia, pure hereditary; Congenital hypoplastic anemia. Identifiers: Orphanet 124, MedGen C1260899, MeSH D029503, MONDO:0015253, HP:0004810.
Diamond-Blackfan anemia 7 (DBA7). Also called: RPL11-Related Diamond-Blackfan Anemia. Identifiers: Orphanet 124, MedGen C2675512, MONDO:0012938, OMIM 612562.

Allele frequency attached by ClinVar (database versions not stated): gnomAD exomes 0.00013 and 0.00067; gnomAD 0.00025 and 0.00029; TOPMed 0.00033; ExAC 0.00058; 1000 Genomes Project 30x 0.00094; 1000 Genomes Project 0.00120.
gnomAD v4.1: 319 of 1,613,492 alleles (0.02%); highest among the groups gnomAD compares: East Asian, 0.45%; 4 homozygotes.

Submissions (5):

Labcorp Genetics (formerly Invitae), Labcorp
Classification: Benign for Diamond-Blackfan anemia. Last evaluated: 2026-01-26. Review status: criteria provided, single submitter. Criteria: Invitae Variant Classification Sherloc (09022015). Collection method: clinical testing. Allele origin: germline.

ARUP Laboratories, Molecular Genetics and Genomics, ARUP Laboratories
Classification: Benign for Diamond-Blackfan anemia 7. Last evaluated: 2025-07-28. Review status: criteria provided, single submitter. Criteria: ARUP Molecular Germline Variant Investigation Process 2024. Collection method: clinical testing. Allele origin: germline.

Blueprint Genetics
Classification: Likely benign. Last evaluated: 2024-10-28. Review status: criteria provided, single submitter. Criteria: ACMG Guidelines, 2015. Collection method: clinical testing. Allele origin: germline.

Fulgent Genetics
Classification: Likely benign for Diamond-Blackfan anemia 7. Last evaluated: 2021-08-16. Review status: criteria provided, single submitter. Criteria: ACMG Guidelines, 2015. Collection method: clinical testing. Allele origin: unknown.

Illumina Laboratory Services, Illumina
Classification: Benign for Diamond-Blackfan anemia 7. Last evaluated: 2018-01-13. Review status: criteria provided, single submitter. Criteria: ICSL Variant Classification Criteria 13 December 2019. Collection method: clinical testing. Allele origin: germline.
Comment: This variant was observed in the ICSL laboratory as part of a predisposition screen in an ostensibly healthy population. It had not been previously curated by ICSL or reported in the Human Gene Mutation Database (HGMD: prior to June 1st, 2018), and was therefore a candidate for classification through an automated scoring system. Utilizing variant allele frequency, disease prevalence and penetrance estimates, and inheritance mode, an automated score was calculated to assess if this variant is too frequent to cause the disease. Based on the score and internal cut-off values, a variant classified as benign is not then subjected to further curation. The score for this variant resulted in a classification of benign for this disease.